The following is an entry in ClinVar:

NM_005529.7(HSPG2):c.11689G>A (p.Ala3897Thr)

Gene: HSPG2 (heparan sulfate proteoglycan 2; minus strand). Cytogenetic location: 1p36.12.
Variant type: single nucleotide variant.
Coding change: c.11689G>A on transcript NM_005529.7 (MANE Select); coding-DNA position 11689, G replaced by A.
Protein change: p.Ala3897Thr; replaces alanine 3897 with threonine.
Molecular consequence: missense variant.
Genome position (GRCh38, 1-based): chr1:21,830,074, C>T on the plus strand (G>A on the coding strand, the complement: HSPG2 is on the minus strand). VCF-style: chr1-21830074-C-T. GRCh37 (hg19) VCF-style: chr1-22156567-C-T.
Other names: c.11692G>A, p.Ala3898Thr (NM_001291860.2); short protein forms A3897T, A3898T.
Identifiers: ClinVar variation 1362508 (VCV001362508.8), dbSNP rs545391821, ClinGen allele CA669667.

ClinVar aggregate classification (germline): Uncertain significance. Review status: criteria provided, multiple submitters, no conflicts (2 of 4 stars). 3 submissions from 3 submitters: Uncertain significance (3). Last evaluated 2024-10-08.

Conditions:
Inborn genetic diseases. Identifiers: MedGen C0950123, MeSH D030342.

Allele frequency attached by ClinVar (database versions not stated): gnomAD exomes 0.00001 and 0.00004; gnomAD 0.00002 and 0.00003; ExAC 0.00003; TOPMed 0.00003; 1000 Genomes Project 0.00020; 1000 Genomes Project 30x 0.00062.
gnomAD v4.1: 26 of 1,599,924 alleles (0.0016%); highest among the groups gnomAD compares: East Asian, 0.02%; no homozygotes.

Submissions (3):

Labcorp Genetics (formerly Invitae), Labcorp
Classification: Uncertain significance. Last evaluated: 2024-10-08. Review status: criteria provided, single submitter. Criteria: Invitae Variant Classification Sherloc (09022015). Collection method: clinical testing. Allele origin: germline.
Comment: This sequence change replaces alanine, which is neutral and non-polar, with threonine, which is neutral and polar, at codon 3897 of the HSPG2 protein (p.Ala3897Thr). This variant is present in population databases (rs545391821, gnomAD 0.02%). This variant has not been reported in the literature in individuals affected with HSPG2-related conditions. ClinVar contains an entry for this variant (Variation ID: 1362508). An algorithm developed to predict the effect of missense changes on protein structure and function (PolyPhen-2) suggests that this variant is likely to be disruptive. In summary, the available evidence is currently insufficient to determine the role of this variant in disease. Therefore, it has been classified as a Variant of Uncertain Significance.

Ambry Genetics
Classification: Uncertain significance for Inborn genetic diseases. Last evaluated: 2023-06-02. Review status: criteria provided, single submitter. Criteria: Ambry Variant Classification Scheme 2023. Collection method: clinical testing. Allele origin: germline.

GeneDx
Classification: Uncertain significance. Last evaluated: 2022-03-28. Review status: criteria provided, single submitter. Criteria: GeneDx Variant Classification Process June 2021. Collection method: clinical testing. Allele origin: germline. Affected: yes.
Comment: In silico analysis supports that this missense variant does not alter protein structure/function; Has not been previously published as pathogenic or benign to our knowledge